The following is an entry in ClinVar:

ClinVar aggregate classification (germline): Likely pathogenic (1 of 4 stars; one submission).

Conditions:
Dilated cardiomyopathy 1G (CMD1G). Identifiers: Orphanet 154, MedGen C1858763, MONDO:0011400, OMIM 604145.

Submission:

Juno Genomics, Hangzhou Juno Genomics, Inc
Classification: Likely pathogenic for Dilated cardiomyopathy 1G. Review status: criteria provided, single submitter. Criteria: ACMG Guidelines, 2015. Collection method: clinical testing. Allele origin: germline.
Comment: Null variant in a gene where loss of function (LOF) is a known mechanism of disease.;Absent from controls (or at extremely low frequency if recessive) in Genome Aggregation Database.

NM_001267550.2(TTN):c.92530A>T (p.Lys30844Ter)

Genes: TTN (titin; minus strand), TTN-AS1 (TTN antisense RNA 1; plus strand). Cytogenetic location: 2q31.2.
Variant type: single nucleotide variant.
Coding change: c.92530A>T on transcript NM_001267550.2 (MANE Select); coding-DNA position 92530, A replaced by T.
Protein change: p.Lys30844Ter; replaces lysine 30844 with a stop codon.
Molecular consequence: nonsense.
Genome position (GRCh38, 1-based): chr2:178,549,096, T>A on the plus strand (A>T on the coding strand, the complement: TTN is on the minus strand). VCF-style: chr2-178549096-T-A. GRCh37 (hg19) VCF-style: chr2-179413823-T-A.
Other names: c.87607A>T, p.Lys29203Ter (NM_001256850.1); c.65335A>T, p.Lys21779Ter (NM_003319.4); c.84826A>T, p.Lys28276Ter (NM_133378.4); c.65710A>T, p.Lys21904Ter (NM_133432.3); c.65911A>T, p.Lys21971Ter (NM_133437.4); short protein forms K21904*, K21971*, K28276*, K29203*, K21779*, K30844*.
Identifiers: ClinVar variation 5006141 (VCV005006141.2).